The following is an entry in ClinVar:

NM_000551.4(VHL):c.365dup (p.Gly123fs)

Genes: VHL (von Hippel-Lindau tumor suppressor; plus strand), LOC107303340 (3p25 von Hippel-Lindau tumor suppressor, E3 ubiquitin protein ligase Alu-mediated recombination region; plus strand). Cytogenetic location: 3p25.3.
Variant type: Duplication.
Coding change: c.365dup on transcript NM_000551.4 (MANE Select); coding-DNA position 365, one base duplicated (C; older notation c.365dupC).
Protein change: p.Gly123fs; shifts the reading frame from glycine 123.
Molecular consequence: frameshift variant. On other transcripts: non-coding transcript variant (1), intron variant (2).
Genome position (GRCh38, 1-based): chr3:10,146,538, C duplicated. VCF-style (leftmost placement, unchanged base first): chr3-10146537-G-GC. GRCh37 (hg19) VCF-style: chr3-10188221-G-GC.
Other names: c.*18-3249dup (NM_001354723.2); c.341-3249dup (NM_198156.3); short protein forms G123fs.
Identifiers: ClinVar variation 3753507 (VCV003753507.2).

ClinVar aggregate classification (germline): Pathogenic (1 of 4 stars; one submission).

Conditions:
Chuvash polycythemia. Also called: POLYCYTHEMIA, VHL-DEPENDENT. Identifiers: Orphanet 238557, MedGen C1837915, MONDO:0009892, OMIM 263400.
Von Hippel-Lindau syndrome (VHLS). Also called: VHL syndrome; von Hippel–Lindau syndrome; Von Hippel-Lindau. Identifiers: Orphanet 892, MedGen C0019562, MONDO:0008667, OMIM 193300. Disease mechanism: loss of function.

Submission:

Labcorp Genetics (formerly Invitae), Labcorp
Classification: Pathogenic for Von Hippel-Lindau syndrome; Chuvash polycythemia. Last evaluated: 2024-12-26. Review status: criteria provided, single submitter. Criteria: Invitae Variant Classification Sherloc (09022015). Collection method: clinical testing. Allele origin: germline.
Comment: This sequence change creates a premature translational stop signal (p.Gly123Argfs*9) in the VHL gene. It is expected to result in an absent or disrupted protein product. Loss-of-function variants in VHL are known to be pathogenic (PMID: 8956040, 12202531). This variant is not present in population databases (gnomAD no frequency). This variant has not been reported in the literature in individuals affected with VHL-related conditions. For these reasons, this variant has been classified as Pathogenic.

Literature cited by the submitters: PubMed 8956040; PubMed 12202531.